The following is an entry in ClinVar:

ClinVar aggregate classification (germline): Pathogenic (1 of 4 stars; one submission).

Conditions:
Hereditary sensory and autonomic neuropathy type 6. Also called: HSAN VI; Neuropathy, hereditary sensory and autonomic, type VI. Identifiers: Orphanet 314381, MedGen C3539003, MONDO:0013839, OMIM 614653.
Epidermolysis bullosa simplex 3, localized or generalized intermediate, with BP230 deficiency (EBS3). Also called: Epidermolysis bullosa simplex, autosomal recessive 2; Epidermolysis bullosa simplex due to BP230 deficiency. Identifiers: Orphanet 412181, MedGen C3809470, MONDO:0014180, OMIM 615425.

Allele frequency attached by ClinVar (database versions not stated): gnomAD exomes below 0.00001; gnomAD 0.00001; TOPMed 0.00001; ESP Exome Variant Server 0.00008.

Submission:

Labcorp Genetics (formerly Invitae), Labcorp
Classification: Pathogenic for Epidermolysis bullosa simplex 3, localized or generalized intermediate, with BP230 deficiency; Hereditary sensory and autonomic neuropathy type 6. Last evaluated: 2024-01-06. Review status: criteria provided, single submitter. Criteria: Invitae Variant Classification Sherloc (09022015). Collection method: clinical testing. Allele origin: germline.
Comment: This sequence change creates a premature translational stop signal (p.Glu1834Glyfs*8) in the DST gene. It is expected to result in an absent or disrupted protein product. Loss-of-function variants in DST are known to be pathogenic (PMID: 22522446, 25059916, 30371979). This variant is present in population databases (no rsID available, gnomAD 0.02%). This variant has not been reported in the literature in individuals affected with DST-related conditions. For these reasons, this variant has been classified as Pathogenic.

Literature cited by the submitters: PubMed 22522446; PubMed 25059916; PubMed 30371979.

NM_001723.7(DST):c.5500dup (p.Glu1834fs)

Gene: DST (dystonin; minus strand). Cytogenetic location: 6p12.1.
Variant type: Duplication.
Coding change: c.5500dup on transcript NM_001723.7 (MANE Plus Clinical); coding-DNA position 5500, one base duplicated (G; older notation c.5500dupG).
Protein change: p.Glu1834fs; shifts the reading frame from glutamic acid 1834.
Molecular consequence: frameshift variant. On other transcripts: intron variant (10).
Genome position (GRCh38, 1-based): chr6:56,618,534, C duplicated on the plus strand (G on the coding strand, the reverse complement: DST is on the minus strand). VCF-style (leftmost placement, unchanged base first): chr6-56618533-T-TC. GRCh37 (hg19) VCF-style: chr6-56483331-T-TC.
Other names: c.4831-4050dup (NM_001144769.5); c.4930-4050dup (NM_001374722.1, NM_001374736.1); c.4957-4050dup (NM_001374734.1); c.4417-4050dup (NM_001144770.2); c.4297-4050dup (NM_001374730.1, NM_001386100.1, NM_183380.4 and 1 more transcripts); c.3319-4050dup (NM_015548.5); short protein forms E1834fs.
Identifiers: ClinVar variation 2928829 (VCV002928829.3), dbSNP rs868467486, ClinGen allele CA139208966.